The following is an entry in ClinVar:

NM_005055.5(RAPSN):c.363C>T (p.Leu121=)

Gene: RAPSN (receptor associated protein of the synapse; minus strand). Cytogenetic location: 11p11.2.
Variant type: single nucleotide variant.
Coding change: c.363C>T on transcript NM_005055.5 (MANE Select); coding-DNA position 363, C replaced by T.
Protein change: p.Leu121=; no amino-acid change (leucine 121 retained).
Molecular consequence: synonymous variant.
Genome position (GRCh38, 1-based): chr11:47,447,980, G>A on the plus strand (C>T on the coding strand, the complement: RAPSN is on the minus strand). VCF-style: chr11-47447980-G-A. GRCh37 (hg19) VCF-style: chr11-47469532-G-A.
Other names: c.363C>T, p.Leu121= (NM_032645.5).
Identifiers: ClinVar variation 476120 (VCV000476120.15), dbSNP rs190548363, ClinGen allele CA5976757.

ClinVar aggregate classification (germline): Benign/Likely benign. Review status: criteria provided, multiple submitters, no conflicts (2 of 4 stars). 3 submissions from 2 submitters: Benign (1); Likely benign (2). Last evaluated 2026-01-26.

Conditions:
Fetal akinesia deformation sequence 1 (FADS1). Also called: Pena-Shokeir syndrome type I; Fetal akinesia sequence. Identifiers: Orphanet 994, MedGen C1276035, MONDO:0100101, OMIM 208150, HP:0001989.
Congenital myasthenic syndrome 11. Also called: MYASTHENIC SYNDROME, CONGENITAL, Ie; Myasthenic syndrome, congenital, 11, associated with acetylcholine receptor deficiency. Identifiers: Orphanet 590, MedGen C4225367, MONDO:0014588, OMIM 616326.

Allele frequency attached by ClinVar (database versions not stated): gnomAD 0.00005 and 0.00011; TOPMed 0.00008; gnomAD exomes 0.00040; ExAC 0.00046; 1000 Genomes Project 30x 0.00125; 1000 Genomes Project 0.00140.
gnomAD v4.1: 221 of 1,613,916 alleles (0.014%); highest among the groups gnomAD compares: East Asian, 0.47%; 1 homozygote.

Submissions (3):

Labcorp Genetics (formerly Invitae), Labcorp
Classification: Benign for Congenital myasthenic syndrome 11; Fetal akinesia deformation sequence 1. Last evaluated: 2026-01-26. Review status: criteria provided, single submitter. Criteria: Invitae Variant Classification Sherloc (09022015). Collection method: clinical testing. Allele origin: germline.

Illumina Laboratory Services, Illumina
Classification: Likely benign for Fetal akinesia deformation sequence 1. Last evaluated: 2018-01-13. Review status: criteria provided, single submitter. Criteria: ICSL Variant Classification Criteria 13 December 2019. Collection method: clinical testing. Allele origin: germline.
Comment: This variant was observed in the ICSL laboratory as part of a predisposition screen in an ostensibly healthy population. It had not been previously curated by ICSL or reported in the Human Gene Mutation Database (HGMD: prior to June 1st, 2018), and was therefore a candidate for classification through an automated scoring system. Utilizing variant allele frequency, disease prevalence and penetrance estimates, and inheritance mode, an automated score was calculated to assess if this variant is too frequent to cause the disease. Based on the score and internal cut-off values, a variant classified as likely benign is not then subjected to further curation. The score for this variant resulted in a classification of likely benign for this disease.

Illumina Laboratory Services, Illumina
Classification: Likely benign for Congenital myasthenic syndrome 11. Last evaluated: 2018-01-13. Review status: criteria provided, single submitter. Criteria: ICSL Variant Classification Criteria 13 December 2019. Collection method: clinical testing. Allele origin: germline.
Comment: the same text as in the submission from Illumina Laboratory Services, Illumina above.